The following is an entry in ClinVar:

ClinVar aggregate classification (germline): Uncertain significance (1 of 4 stars; one submission).

Allele frequency attached by ClinVar (database versions not stated): gnomAD exomes below 0.00001.
gnomAD v4.1: 1 of 1,613,448 alleles (0.000062%); highest among the groups gnomAD compares: Admixed American, 0.0017%; no homozygotes.

Submission:

Labcorp Genetics (formerly Invitae), Labcorp
Classification: Uncertain significance. Last evaluated: 2022-02-04. Review status: criteria provided, single submitter. Criteria: Invitae Variant Classification Sherloc (09022015). Collection method: clinical testing. Allele origin: germline.
Comment: In summary, the available evidence is currently insufficient to determine the role of this variant in disease. Therefore, it has been classified as a Variant of Uncertain Significance. Algorithms developed to predict the effect of missense changes on protein structure and function output the following: SIFT: "Tolerated"; PolyPhen-2: "Possibly Damaging"; Align-GVGD: "Class C0". The methionine amino acid residue is found in multiple mammalian species, which suggests that this missense change does not adversely affect protein function. This variant has not been reported in the literature in individuals affected with DDX58-related conditions. This variant is present in population databases (no rsID available, gnomAD 0.003%). This sequence change replaces valine, which is neutral and non-polar, with methionine, which is neutral and non-polar, at codon 825 of the DDX58 protein (p.Val825Met).

NM_014314.4(RIGI):c.2473G>A (p.Val825Met)

Genes: RIGI (RNA sensor RIG-I; minus strand), LOC101060445 (uncharacterized LOC101060445; plus strand). Cytogenetic location: 9p21.1.
Variant type: single nucleotide variant.
Coding change: c.2473G>A on transcript NM_014314.4 (MANE Select); coding-DNA position 2473, G replaced by A.
Protein change: p.Val825Met; replaces valine 825 with methionine.
Molecular consequence: missense variant.
Genome position (GRCh38, 1-based): chr9:32,459,379, C>T on the plus strand (G>A on the coding strand, the complement: RIGI is on the minus strand). VCF-style: chr9-32459379-C-T. GRCh37 (hg19) VCF-style: chr9-32459377-C-T.
Other names: c.2467G>A, p.Val823Met (NM_001385907.1); c.2302G>A, p.Val768Met (NM_001385909.1); c.2032G>A, p.Val678Met (NM_001385910.1); c.1864G>A, p.Val622Met (NM_001385912.1); c.2458G>A, p.Val820Met (NM_001385913.1); c.2029G>A, p.Val677Met (NM_001385914.1); short protein forms V823M, V825M, V622M, V677M, V768M, V820M, V678M.
Identifiers: ClinVar variation 1513709 (VCV001513709.6), dbSNP rs1318646485, ClinGen allele CA373143860.
Genomic context (GRCh38, chr9:32,459,379, plus strand): 5'-GCTGTAGCTAGTGCTAAAACATGACCAGGCACTTTGTAAAAAGGCAGCTTACCTCTATCA[C>T]TCTTACGTCAGCTGTGTAACATGCCAAGGCTTTGCACTTTCTGCAGAGCAGTTTTTTATT-3'
Protein context (NP_055129.2, residues 815-835): ALACYTADVR[Val825Met]IEECHYTVLG